The following is an entry in ClinVar:

NM_030662.4(MAP2K2):c.92+266G>A

Gene: MAP2K2 (mitogen-activated protein kinase kinase 2; minus strand). Cytogenetic location: 19p13.3.
Variant type: single nucleotide variant.
Coding change: c.92+266G>A on transcript NM_030662.4 (MANE Select); 266 bases into the intron after coding-DNA position 92, G replaced by A.
Molecular consequence: intron variant.
Genome position (GRCh38, 1-based): chr19:4,123,518, C>T on the plus strand (G>A on the coding strand, the complement: MAP2K2 is on the minus strand). VCF-style: chr19-4123518-C-T. GRCh37 (hg19) VCF-style: chr19-4123515-C-T.
Identifiers: ClinVar variation 561881 (VCV000561881.1), dbSNP rs192871074, ClinGen allele CA304449238.

ClinVar aggregate classification (germline): Likely benign (1 of 4 stars; one submission).

Allele frequency attached by ClinVar (database versions not stated): 1000 Genomes Project 0.00439; TOPMed 0.01175; gnomAD 0.01296 and 0.01343.
gnomAD v4.1: 1,953 of 151,468 alleles (1.3%); highest among the groups gnomAD compares: Non-Finnish European, 2%; 9 homozygotes.

Submission:

GeneDx
Classification: Likely benign. Last evaluated: 2018-06-16. Review status: criteria provided, single submitter. Criteria: GeneDx Variant Classification (06012015). Collection method: clinical testing. Allele origin: germline. Affected: yes.
Comment: This variant is considered likely benign or benign based on one or more of the following criteria: it is a conservative change, it occurs at a poorly conserved position in the protein, it is predicted to be benign by multiple in silico algorithms, and/or has population frequency not consistent with disease.